The following is an entry in ClinVar:

NM_000063.6(C2):c.59C>T (p.Ser20Leu)

Gene: C2 (complement C2; plus strand). Cytogenetic location: 6p21.33.
Variant type: single nucleotide variant.
Coding change: c.59C>T on transcript NM_000063.6 (MANE Select); coding-DNA position 59, C replaced by T.
Protein change: p.Ser20Leu; replaces serine 20 with leucine.
Molecular consequence: missense variant. On other transcripts: 5 prime UTR variant (1), genic upstream transcript variant (2), intron variant (1).
Genome position (GRCh38, 1-based): chr6:31,927,967, C>T. VCF-style: chr6-31927967-C-T. GRCh37 (hg19) VCF-style: chr6-31895744-C-T.
Other names: c.-57C>T (NM_001282458.2); c.59C>T, p.Ser20Leu (NM_001282459.2); c.-63-5643C>T (NM_001282457.2); c.74-5643C>T (NM_001178063.3); c.46+169C>T (NM_001145903.3); short protein forms S20L.
Identifiers: ClinVar variation 1973979 (VCV001973979.5), dbSNP rs756248699, ClinGen allele CA3727276.

ClinVar aggregate classification (germline): Uncertain significance. Review status: criteria provided, multiple submitters, no conflicts (2 of 4 stars). 3 submissions from 3 submitters: Uncertain significance (3). Last evaluated 2025-02-26.

Allele frequency attached by ClinVar (database versions not stated): gnomAD 0.00001; gnomAD exomes 0.00001; TOPMed 0.00001; ExAC 0.00002.
gnomAD v4.1: 9 of 1,613,950 alleles (0.00056%); highest among the groups gnomAD compares: South Asian, 0.0022%; no homozygotes.

Submissions (3):

Ambry Genetics
Classification: Uncertain significance. Last evaluated: 2025-02-26. Review status: criteria provided, single submitter. Criteria: Ambry Variant Classification Scheme 2023. Collection method: clinical testing. Allele origin: germline.

Blueprint Genetics
Classification: Uncertain significance. Last evaluated: 2023-12-28. Review status: criteria provided, single submitter. Criteria: ACMG Guidelines, 2015. Collection method: clinical testing. Allele origin: germline.

Labcorp Genetics (formerly Invitae), Labcorp
Classification: Uncertain significance. Last evaluated: 2022-03-20. Review status: criteria provided, single submitter. Criteria: Invitae Variant Classification Sherloc (09022015). Collection method: clinical testing. Allele origin: germline.
Comment: In summary, the available evidence is currently insufficient to determine the role of this variant in disease. Therefore, it has been classified as a Variant of Uncertain Significance. Algorithms developed to predict the effect of missense changes on protein structure and function (SIFT, PolyPhen-2, Align-GVGD) all suggest that this variant is likely to be tolerated. This variant has not been reported in the literature in individuals affected with C2-related conditions. This variant is present in population databases (rs756248699, gnomAD 0.003%). This sequence change replaces serine, which is neutral and polar, with leucine, which is neutral and non-polar, at codon 20 of the C2 protein (p.Ser20Leu).